The following is an entry in ClinVar:

ClinVar aggregate classification (germline): Likely benign. Review status: criteria provided, multiple submitters, no conflicts (2 of 4 stars). 3 submissions from 3 submitters: Likely benign (2). 1 of the submissions does not count toward it. Last evaluated 2026-01-21.

Conditions:
MYO7A-related disorder. Also called: MYO7A-related disorders.

Allele frequency attached by ClinVar (database versions not stated): gnomAD 0.00004 and 0.00007; TOPMed 0.00006; gnomAD exomes 0.00009 and 0.00015; 1000 Genomes Project 30x 0.00016; ExAC 0.00019; 1000 Genomes Project 0.00020.
gnomAD v4.1: 142 of 1,607,670 alleles (0.0088%); highest among the groups gnomAD compares: South Asian, 0.093%; no homozygotes.

Submissions (3):

Labcorp Genetics (formerly Invitae), Labcorp
Classification: Likely benign. Last evaluated: 2026-01-21. Review status: criteria provided, single submitter. Criteria: Invitae Variant Classification Sherloc (09022015). Collection method: clinical testing. Allele origin: germline.

Blueprint Genetics
Classification: Likely benign. Last evaluated: 2024-09-21. Review status: criteria provided, single submitter. Criteria: ACMG Guidelines, 2015. Collection method: clinical testing. Allele origin: germline.

PreventionGenetics, part of Exact Sciences
Classification: Likely benign for MYO7A-related condition. Last evaluated: 2020-02-19. Review status: no assertion criteria provided. Collection method: clinical testing. Allele origin: germline. Not counted in ClinVar's aggregate classification.
Comment: This variant is classified as likely benign based on ACMG/AMP sequence variant interpretation guidelines (Richards et al. 2015 PMID: 25741868, with internal and published modifications).

NM_000260.4(MYO7A):c.3109-13C>T

Gene: MYO7A (myosin VIIA; plus strand). Cytogenetic location: 11q13.5.
Variant type: single nucleotide variant.
Coding change: c.3109-13C>T on transcript NM_000260.4 (MANE Select); 13 bases into the intron before coding-DNA position 3109, C replaced by T.
Molecular consequence: intron variant.
Genome position (GRCh38, 1-based): chr11:77,182,411, C>T. VCF-style: chr11-77182411-C-T. GRCh37 (hg19) VCF-style: chr11-76893456-C-T.
Other names: c.3109-13C>T (NM_000260.3, NM_001127180.2); c.3076-13C>T (NM_001369365.1).
Identifiers: ClinVar variation 1643947 (VCV001643947.11), dbSNP rs551521854, ClinGen allele CA224841911.